The following is an entry in ClinVar:

ClinVar aggregate classification (germline): Uncertain significance (1 of 4 stars; one submission).

Submission:

GeneDx
Classification: Uncertain significance. Last evaluated: 2025-07-15. Review status: criteria provided, single submitter. Criteria: GeneDx Variant Classification Process June 2021. Collection method: clinical testing. Allele origin: germline. Affected: yes.
Comment: In-frame deletion of 1 amino acid(s) in a non-repeat region; Not observed at significant frequency in large population cohorts (gnomAD); In silico analysis suggests that this variant does not alter protein structure/function; Has not been previously published as pathogenic or benign to our knowledge

NM_003482.4(KMT2D):c.9855_9857del (p.Leu3286del)

Gene: KMT2D (lysine methyltransferase 2D; minus strand). Cytogenetic location: 12q13.12.
Variant type: Deletion.
Coding change: c.9855_9857del on transcript NM_003482.4 (MANE Select); coding-DNA positions 9855 to 9857, 3 bases deleted (ACT; older notation c.9855_9857delACT).
Protein change: p.Leu3286del; deletes leucine 3286.
Molecular consequence: inframe deletion. On other transcripts: inframe indel (1).
Genome position (GRCh38, 1-based): chr12:49,037,499-49,037,501, AGT deleted on the plus strand (ACT on the coding strand, the reverse complement: KMT2D is on the minus strand); deleting any 3 consecutive bases within chr12:49,037,499-49,037,503 gives the same sequence; the c. name uses the placement nearest the transcript's 3' end. VCF-style (leftmost placement, unchanged base first): chr12-49037498-CAGT-C. GRCh37 (hg19) VCF-style: chr12-49431281-CAGT-C.
Other names: c.9853_9855delCTA, p.Leu3286del (NM_003482.3); short protein forms L3286del.
Identifiers: ClinVar variation 4686268 (VCV004686268.1).